The following is an entry in ClinVar:

NM_007294.4(BRCA1):c.3619A>G (p.Lys1207Glu)

Genes: BRCA1 (BRCA1 DNA repair associated; minus strand), LOC126862571 (BRD4-independent group 4 enhancer GRCh37_chr17:41243136-41244335; plus strand). Cytogenetic location: 17q21.31.
Variant type: single nucleotide variant.
Coding change: c.3619A>G on transcript NM_007294.4 (MANE Select); coding-DNA position 3619, A replaced by G.
Protein change: p.Lys1207Glu; replaces lysine 1207 with glutamic acid.
Molecular consequence: missense variant. On other transcripts: intron variant (135).
Genome position (GRCh38, 1-based): chr17:43,091,912, T>C on the plus strand (A>G on the coding strand, the complement: BRCA1 is on the minus strand). VCF-style: chr17-43091912-T-C. GRCh37 (hg19) VCF-style: chr17-41243929-T-C.
Other names: p.K1207E:AAG>GAG; c.404-880A>G (NM_001408511.1); c.647-880A>G (NM_001408457.1, NM_001408460.1, NM_001408454.1 and 11 more transcripts); c.521-880A>G (NM_001408505.1, NM_001408504.1, NM_001408503.1); c.461-880A>G (NM_001408507.1, NM_001408506.1); c.545-880A>G (NM_001408495.1); c.662-880A>G (NM_001408448.1, NM_001408445.1, NM_001408432.1 and 6 more transcripts); c.668-880A>G (NM_001408421.1, NM_001408431.1, NM_001408424.1); and 42 more; short protein forms K1207E, K1160E, K1139E, K1095E, K1119E, K1180E, K1204E, K911E.
Identifiers: ClinVar variation 89060 (VCV000089060.20), dbSNP rs80357455, ClinGen allele CA002313.

ClinVar aggregate classification (germline): Conflicting classifications of pathogenicity. Review status: criteria provided, conflicting classifications (1 of 4 stars). 5 submissions from 5 submitters: Uncertain significance (4); Likely benign (1). Last evaluated 2025-01-13.

Conditions:
Hereditary breast ovarian cancer syndrome. Also called: Hereditary breast and ovarian cancer; Breast and ovarian cancer; Hereditary breast and ovarian cancer syndrome; Hereditary breast and ovarian cancer syndrome (HBOC); BRCA1- and BRCA2-Associated Hereditary Breast and Ovarian Cancer; Hereditary breast and/or ovarian cancer syndrome. Identifiers: Orphanet 145, MedGen C0677776, MeSH D061325, MONDO:0003582. Disease mechanism: loss of function.
Hereditary cancer-predisposing syndrome. Also called: Tumor predisposition; Hereditary Cancer Syndrome; Hereditary neoplastic syndrome; Neoplastic Syndromes, Hereditary. Identifiers: Orphanet 140162, MedGen C0027672, MeSH D009386, MONDO:0015356.

Allele frequency attached by ClinVar (database versions not stated): gnomAD exomes below 0.00001.
gnomAD v4.1: 1 of 1,614,188 alleles (0.000062%); highest among the groups gnomAD compares: Non-Finnish European, 0.000085%; no homozygotes.

Submissions (5):

Labcorp Genetics (formerly Invitae), Labcorp
Classification: Uncertain significance for Hereditary breast ovarian cancer syndrome. Last evaluated: 2025-01-13. Review status: criteria provided, single submitter. Criteria: Invitae Variant Classification Sherloc (09022015). Collection method: clinical testing. Allele origin: germline.
Comment: This sequence change replaces lysine, which is basic and polar, with glutamic acid, which is acidic and polar, at codon 1207 of the BRCA1 protein (p.Lys1207Glu). This variant is present in population databases (rs80357455, gnomAD 0.0009%). This variant has not been reported in the literature in individuals affected with BRCA1-related conditions. ClinVar contains an entry for this variant (Variation ID: 89060). Invitae Evidence Modeling of protein sequence and biophysical properties (such as structural, functional, and spatial information, amino acid conservation, physicochemical variation, residue mobility, and thermodynamic stability) indicates that this missense variant is not expected to disrupt BRCA1 protein function with a negative predictive value of 80%. In summary, the available evidence is currently insufficient to determine the role of this variant in disease. Therefore, it has been classified as a Variant of Uncertain Significance.

Color Diagnostics, LLC DBA Color Health
Classification: Uncertain significance for Hereditary cancer-predisposing syndrome. Last evaluated: 2024-11-25. Review status: criteria provided, single submitter. Criteria: ACMG Guidelines, 2015. Collection method: clinical testing. Allele origin: germline.
Comment: This missense variant replaces lysine with glutamic acid at codon 1207 of the BRCA1 protein. Computational prediction suggests that this variant may not impact protein structure and function. To our knowledge, functional studies have not been reported for this variant. A multifactorial analysis has reported a likelihood ratio for pathogenicity based on personal and family history of 0.284 from log(LR)=-0.546141684 for 1 carrier (PMID: 31853058). This variant has been identified in 1/251234 chromosomes in the general population by the Genome Aggregation Database (gnomAD). The available evidence is insufficient to determine the role of this variant in disease conclusively. Therefore, this variant is classified as a Variant of Uncertain Significance.

University of Washington Department of Laboratory Medicine, University of Washington
Classification: Likely benign for Hereditary cancer-predisposing syndrome. Last evaluated: 2023-03-23. Review status: criteria provided, single submitter. Criteria: Dines et al. (Genet Med. 2020). Collection method: curation. Allele origin: germline.
Comment: Missense variant in a coldspot region where missense variants are very unlikely to be pathogenic (PMID:31911673).

BRCA1 coldspot (exon 11 using historical exon numbering). Reclassification based on statistical prior probability

Ambry Genetics
Classification: Uncertain significance for Hereditary cancer-predisposing syndrome. Last evaluated: 2022-12-05. Review status: criteria provided, single submitter. Criteria: Ambry Variant Classification Scheme 2023. Collection method: clinical testing. Allele origin: germline.
Comment: The p.K1207E variant (also known as c.3619A>G), located in coding exon 9 of the BRCA1 gene, results from an A to G substitution at nucleotide position 3619. The lysine at codon 1207 is replaced by glutamic acid, an amino acid with similar properties. This amino acid position is poorly conserved in available vertebrate species. In addition, this alteration is predicted to be tolerated by in silico analysis. Since supporting evidence is limited at this time, the clinical significance of this alteration remains unclear.

GeneDx
Classification: Uncertain significance. Last evaluated: 2021-09-07. Review status: criteria provided, single submitter. Criteria: GeneDx Variant Classification Process June 2021. Collection method: clinical testing. Allele origin: germline. Affected: yes.
Comment: Not observed at significant frequency in large population cohorts (Lek 2016); In silico analysis supports that this missense variant does not alter protein structure/function; Has not been previously published as pathogenic or benign to our knowledge; Also known as 3738A>G; This variant is associated with the following publications: (PMID: 26888582)

Literature cited by the submitters: PubMed 31853058 (cited by Color Diagnostics, LLC DBA Color Health).